The following is an entry in ClinVar:

ClinVar aggregate classification (germline): Uncertain significance (0 of 4 stars; one submission).

Conditions:
CHAMP1-related disorder. Also called: CHAMP1-related condition.

Allele frequency attached by ClinVar (database versions not stated): ExAC 0.00001; gnomAD exomes 0.00001.
gnomAD v4.1: 3 of 1,613,202 alleles (0.00019%); highest among the groups gnomAD compares: East Asian, 0.0022%; no homozygotes.

Submission:

PreventionGenetics, part of Exact Sciences
Classification: Uncertain significance for CHAMP1-related condition. Last evaluated: 2024-06-05. Review status: no assertion criteria provided. Collection method: clinical testing. Allele origin: germline.
Comment: The CHAMP1 c.2276C>T variant is predicted to result in the amino acid substitution p.Ala759Val. To our knowledge, this variant has not been reported in the literature. This variant is reported in 0.0054% of alleles in individuals of East Asian descent in gnomAD. At this time, the clinical significance of this variant is uncertain due to the absence of conclusive functional and genetic evidence.

NM_032436.4(CHAMP1):c.2276C>T (p.Ala759Val)

Gene: CHAMP1 (chromosome alignment maintaining phosphoprotein 1; plus strand). Cytogenetic location: 13q34.
Variant type: single nucleotide variant.
Coding change: c.2276C>T on transcript NM_032436.4 (MANE Select); coding-DNA position 2276, C replaced by T.
Protein change: p.Ala759Val; replaces alanine 759 with valine.
Molecular consequence: missense variant.
Genome position (GRCh38, 1-based): chr13:114,326,118, C>T. VCF-style: chr13-114326118-C-T. GRCh37 (hg19) VCF-style: chr13-115091593-C-T.
Other names: c.2276C>T, p.Ala759Val (NM_001164144.3, NM_001164145.3); c.2276C>T (NM_001164145.2); short protein forms A759V.
Identifiers: ClinVar variation 2629973 (VCV002629973.2), dbSNP rs782661164, ClinGen allele CA7070967.